The following is an entry in ClinVar:

ClinVar aggregate classification (germline): Uncertain significance (1 of 4 stars; one submission).

Conditions:
Cowden syndrome 3 (CWS3). Identifiers: Orphanet 201, MedGen CN166604, MONDO:0014045.
Pheochromocytoma. Also called: MAX-Related Hereditary Paraganglioma-Pheochromocytoma Syndrome. Identifiers: Orphanet 29072, MedGen C0031511, MONDO:0008233, OMIM 171300, HP:0002666.
Carney-Stratakis syndrome. Also called: PARAGANGLIOMA AND GASTROINTESTINAL STROMAL TUMOR. Identifiers: Orphanet 97286, MedGen C1847319, MONDO:0011740, OMIM 606864.
Paragangliomas with sensorineural hearing loss. Identifiers: MedGen C1868633.

Submission:

Labcorp Genetics (formerly Invitae), Labcorp
Classification: Uncertain significance for Carney-Stratakis syndrome; Paragangliomas with sensorineural hearing loss; Pheochromocytoma; Cowden syndrome 3. Last evaluated: 2021-02-28. Review status: criteria provided, single submitter. Criteria: Invitae Variant Classification Sherloc (09022015). Collection method: clinical testing. Allele origin: germline.
Comment: This sequence change replaces alanine with serine at codon 130 of the SDHD protein (p.Ala130Ser). The alanine residue is moderately conserved and there is a moderate physicochemical difference between alanine and serine. This variant is not present in population databases (ExAC no frequency). This variant has not been reported in the literature in individuals with SDHD-related conditions. Advanced modeling of protein sequence and biophysical properties (such as structural, functional, and spatial information, amino acid conservation, physicochemical variation, residue mobility, and thermodynamic stability) performed at Invitae indicates that this missense variant is not expected to disrupt SDHD protein function. In summary, the available evidence is currently insufficient to determine the role of this variant in disease. Therefore, it has been classified as a Variant of Uncertain Significance.

NM_003002.4(SDHD):c.388G>T (p.Ala130Ser)

Gene: SDHD (succinate dehydrogenase complex subunit D; plus strand). Cytogenetic location: 11q23.1.
Variant type: single nucleotide variant.
Coding change: c.388G>T on transcript NM_003002.4 (MANE Select); coding-DNA position 388, G replaced by T.
Protein change: p.Ala130Ser; replaces alanine 130 with serine.
Molecular consequence: missense variant. On other transcripts: 3 prime UTR variant (1), non-coding transcript variant (1).
Genome position (GRCh38, 1-based): chr11:112,094,878, G>T. VCF-style: chr11-112094878-G-T. GRCh37 (hg19) VCF-style: chr11-111965602-G-T.
Other names: c.243G>T, p.Trp81Cys (NM_001276503.2); c.271G>T, p.Ala91Ser (NM_001276504.2); c.*86G>T (NM_001276506.2); short protein forms A91S, W81C, A130S.
Identifiers: ClinVar variation 1513960 (VCV001513960.8), dbSNP rs1312671864, ClinGen allele CA382619148.
Genomic context (GRCh38, chr11:112,094,878, plus strand): 5'-GTTGTTACTGACTATGTTCATGGGGATGCCTTGCAGAAAGCTGCCAAGGCAGGGCTTTTG[G>T]CACTTTCAGCTTTAACCTTTGCTGGGCTTTGCTATTTCAACTATCACGATGTGGGCATCT-3'
Protein context (NP_002993.1, residues 120-140): LQKAAKAGLL[Ala130Ser]LSALTFAGLC